The following is an entry in ClinVar:

NM_015512.5(DNAH1):c.3888G>C (p.Met1296Ile)

Gene: DNAH1 (dynein axonemal heavy chain 1; plus strand). Cytogenetic location: 3p21.1.
Variant type: single nucleotide variant.
Coding change: c.3888G>C on transcript NM_015512.5 (MANE Select); coding-DNA position 3888, G replaced by C.
Protein change: p.Met1296Ile; replaces methionine 1296 with isoleucine.
Molecular consequence: missense variant.
Genome position (GRCh38, 1-based): chr3:52,357,643, G>C. VCF-style: chr3-52357643-G-C. GRCh37 (hg19) VCF-style: chr3-52391659-G-C.
Other names: short protein forms M1296I.
Identifiers: ClinVar variation 2950867 (VCV002950867.3), dbSNP rs2471199255, ClinGen allele CA353122289.

ClinVar aggregate classification (germline): Uncertain significance (1 of 4 stars; one submission).

Conditions:
Spermatogenic failure 18. Identifiers: MedGen C4539783, MONDO:0054615, OMIM 617576.
Ciliary dyskinesia, primary, 37 (CILD37). Also called: CILIARY DYSKINESIA, PRIMARY, 37, WITH OR WITHOUT SITUS INVERSUS. Identifiers: MedGen C4539798, MONDO:0033204, OMIM 617577.

Submission:

Labcorp Genetics (formerly Invitae), Labcorp
Classification: Uncertain significance for Ciliary dyskinesia, primary, 37; Spermatogenic failure 18. Last evaluated: 2023-08-10. Review status: criteria provided, single submitter. Criteria: Invitae Variant Classification Sherloc (09022015). Collection method: clinical testing. Allele origin: germline.
Comment: This variant is not present in population databases (gnomAD no frequency). This variant has not been reported in the literature in individuals affected with DNAH1-related conditions. An algorithm developed to predict the effect of missense changes on protein structure and function (PolyPhen-2) suggests that this variant is likely to be tolerated. In summary, the available evidence is currently insufficient to determine the role of this variant in disease. Therefore, it has been classified as a Variant of Uncertain Significance. This sequence change replaces methionine, which is neutral and non-polar, with isoleucine, which is neutral and non-polar, at codon 1296 of the DNAH1 protein (p.Met1296Ile).